The following is an entry in ClinVar:

ClinVar aggregate classification (germline): Conflicting classifications of pathogenicity. Review status: criteria provided, conflicting classifications (1 of 4 stars). 2 submissions from 2 submitters: Likely pathogenic (1); Uncertain significance (1). Last evaluated 2025-08-29.

Conditions:
Hypophosphatasia. Also called: Phosphoethanol-aminuria. Identifiers: Orphanet 436, MedGen C0020630, MeSH D007014, MONDO:0018570.
Adult hypophosphatasia. Identifiers: Orphanet 247676, Orphanet 436, MedGen C0268413, MONDO:1010154, OMIM 146300, MONDO:0007798.
Infantile hypophosphatasia. Identifiers: Orphanet 247651, Orphanet 436, MedGen C0268412, MONDO:1010169, OMIM 241500, MONDO:0009427.
Childhood hypophosphatasia. Identifiers: Orphanet 247667, Orphanet 436, MedGen C0220743, MONDO:1010168, OMIM 241510, MONDO:0009428.

Submissions (2):

Genomenon, Inc
Classification: Likely pathogenic for Hypophosphatasia. Last evaluated: 2025-08-29. Review status: criteria provided, single submitter. Criteria: Genomenon Sequence Variant Interpretation Standards. Collection method: curation. Allele origin: germline. Affected: yes.
Comment: ALPL c.1064T>C is a missense variant that changes the amino acid at residue 355 from Methionine to Threonine. This variant has been observed in at least one proband affected with hypophosphatasia (PMID:28127875;18925618). The variant was found to segregate with disease in at least one affected family (PMID:18925618). This variant has been described as Met338Thr in the literature. It is absent or not present at a significant frequency in gnomAD. In silico models agree that this variant is possibly or probably damaging. In conclusion, we classify ALPL p.Met355Thr (c.1064T>C) as a likely pathogenic variant.

Fulgent Genetics
Classification: Uncertain significance for Adult hypophosphatasia; Infantile hypophosphatasia; Childhood hypophosphatasia. Last evaluated: 2024-05-17. Review status: criteria provided, single submitter. Criteria: ACMG Guidelines, 2015. Collection method: clinical testing. Allele origin: germline.

Literature cited by the submitters: PubMed 28127875 (cited by Genomenon, Inc); PubMed 18925618 (cited by Genomenon, Inc).

NM_000478.6(ALPL):c.1064T>C (p.Met355Thr)

Gene: ALPL (alkaline phosphatase, biomineralization associated; plus strand). Cytogenetic location: 1p36.12.
Variant type: single nucleotide variant.
Coding change: c.1064T>C on transcript NM_000478.6 (MANE Select); coding-DNA position 1064, T replaced by C.
Protein change: p.Met355Thr; replaces methionine 355 with threonine.
Molecular consequence: missense variant.
Genome position (GRCh38, 1-based): chr1:21,575,799, T>C. VCF-style: chr1-21575799-T-C. GRCh37 (hg19) VCF-style: chr1-21902292-T-C.
Other names: c.899T>C, p.Met300Thr (NM_001127501.4); c.833T>C, p.Met278Thr (NM_001177520.3); c.1064T>C, p.Met355Thr (NM_001369803.2, NM_001369804.2, NM_001369805.2); short protein forms M278T, M300T, M355T.
Identifiers: ClinVar variation 3580229 (VCV003580229.2).